The following is an entry in ClinVar:

ClinVar aggregate classification (germline): Uncertain significance (1 of 4 stars; one submission).

Conditions:
Glycogen storage disease, type II (IOPD). Also called: CARDIOMEGALIA GLYCOGENICA DIFFUSA; GLYCOGENOSIS, GENERALIZED, CARDIAC FORM; GSD II; Glycogen storage disease type 2; Acid maltase deficiency disease; Aglucosidase alfa. Identifiers: Orphanet 365, MedGen C0017921, MONDO:0009290, OMIM 232300.

Submission:

Labcorp Genetics (formerly Invitae), Labcorp
Classification: Uncertain significance for Glycogen storage disease, type II. Last evaluated: 2025-05-13. Review status: criteria provided, single submitter. Criteria: Invitae Variant Classification Sherloc (09022015). Collection method: clinical testing. Allele origin: germline.
Comment: This sequence change replaces valine, which is neutral and non-polar, with alanine, which is neutral and non-polar, at codon 38 of the GAA protein (p.Val38Ala). This variant is not present in population databases (gnomAD no frequency). This variant has not been reported in the literature in individuals affected with GAA-related conditions. Invitae Evidence Modeling of protein sequence and biophysical properties (such as structural, functional, and spatial information, amino acid conservation, physicochemical variation, residue mobility, and thermodynamic stability) indicates that this missense variant is not expected to disrupt GAA protein function with a negative predictive value of 95%. In summary, the available evidence is currently insufficient to determine the role of this variant in disease. Therefore, it has been classified as a Variant of Uncertain Significance.

NM_000152.5(GAA):c.113T>C (p.Val38Ala)

Gene: GAA (alpha glucosidase; plus strand). Cytogenetic location: 17q25.3.
Variant type: single nucleotide variant.
Coding change: c.113T>C on transcript NM_000152.5 (MANE Select); coding-DNA position 113, T replaced by C.
Protein change: p.Val38Ala; replaces valine 38 with alanine.
Molecular consequence: missense variant.
Genome position (GRCh38, 1-based): chr17:80,104,699, T>C. VCF-style: chr17-80104699-T-C. GRCh37 (hg19) VCF-style: chr17-78078498-T-C.
Other names: c.113T>C, p.Val38Ala (NM_001079803.3, NM_001079804.3, NM_001406741.1 and 1 more transcripts); short protein forms V38A.
Identifiers: ClinVar variation 4778545 (VCV004778545.1).
Genomic context (GRCh38, chr17:80,104,699, plus strand): 5'-TCGTGTCCTTGGCAACCGCTGCACTCCTGGGGCACATCCTACTCCATGATTTCCTGCTGG[T>C]TCCCCGAGAGCTGAGTGGCTCCTCCCCAGTCCTGGAGGAGACTCACCCAGCTCACCAGCA-3'
Protein context (NP_000143.2, residues 28-48): GHILLHDFLL[Val38Ala]PRELSGSSPV